The following is an entry in ClinVar:

ClinVar aggregate classification (germline): Uncertain significance (1 of 4 stars; one submission).

Conditions:
Long QT syndrome (LQTS). Identifiers: MedGen C0023976, MeSH D008133, MONDO:0002442. Disease mechanism: loss of function. Inheritance: Various modes of inheritance.

Submission:

Labcorp Genetics (formerly Invitae), Labcorp
Classification: Uncertain significance for Long QT syndrome. Last evaluated: 2022-11-22. Review status: criteria provided, single submitter. Criteria: Invitae Variant Classification Sherloc (09022015). Collection method: clinical testing. Allele origin: germline.
Comment: In summary, the available evidence is currently insufficient to determine the role of this variant in disease. Therefore, it has been classified as a Variant of Uncertain Significance. Algorithms developed to predict the effect of missense changes on protein structure and function are either unavailable or do not agree on the potential impact of this missense change (SIFT: "Deleterious"; PolyPhen-2: "Probably Damaging"; Align-GVGD: "Class C0"). This variant has not been reported in the literature in individuals affected with AKAP9-related conditions. This variant is not present in population databases (gnomAD no frequency). This sequence change replaces aspartic acid, which is acidic and polar, with asparagine, which is neutral and polar, at codon 28 of the AKAP9 protein (p.Asp28Asn).

NM_005751.5(AKAP9):c.82G>A (p.Asp28Asn)

Gene: AKAP9 (A-kinase anchoring protein 9; plus strand). Cytogenetic location: 7q21.2.
Variant type: single nucleotide variant.
Coding change: c.82G>A on transcript NM_005751.5 (MANE Select); coding-DNA position 82, G replaced by A.
Protein change: p.Asp28Asn; replaces aspartic acid 28 with asparagine.
Molecular consequence: missense variant.
Genome position (GRCh38, 1-based): chr7:91,973,744, G>A. VCF-style: chr7-91973744-G-A. GRCh37 (hg19) VCF-style: chr7-91603058-G-A.
Other names: c.82G>A, p.Asp28Asn (NM_147185.3); short protein forms D28N.
Identifiers: ClinVar variation 2051524 (VCV002051524.4), dbSNP rs2484598470, ClinGen allele CA368118406.
Genomic context (GRCh38, chr7:91,973,744, plus strand): 5'-AATAACGGTTATTTTCTTTTTTCTTAGCTTGCCCAGTTTCGACAAAGAAAAGCTCAGTCG[G>A]ATGGGCAGAGTCCTTCCAAGAAGCAGAAAAAAAAGAGAAAAACGTCAAGCAGTAAACATG-3'
Protein context (NP_005742.4, residues 18-38): AQFRQRKAQS[Asp28Asn]GQSPSKKQKK